The following is an entry in ClinVar:

NM_013382.7(POMT2):c.1229A>T (p.Asp410Val)

Gene: POMT2 (protein O-mannosyltransferase 2; minus strand). Cytogenetic location: 14q24.3.
Variant type: single nucleotide variant.
Coding change: c.1229A>T on transcript NM_013382.7 (MANE Select); coding-DNA position 1229, A replaced by T.
Protein change: p.Asp410Val; replaces aspartic acid 410 with valine.
Molecular consequence: missense variant.
Genome position (GRCh38, 1-based): chr14:77,288,786, T>A on the plus strand (A>T on the coding strand, the complement: POMT2 is on the minus strand). VCF-style: chr14-77288786-T-A. GRCh37 (hg19) VCF-style: chr14-77755129-T-A.
Other names: short protein forms D410V.
Identifiers: ClinVar variation 285824 (VCV000285824.55), dbSNP rs886043224, ClinGen allele CA10605262.

ClinVar aggregate classification (germline): Uncertain significance. Review status: criteria provided, multiple submitters, no conflicts (2 of 4 stars). 5 submissions from 5 submitters: Uncertain significance (5). Last evaluated 2021-08-28.

Conditions:
Muscular dystrophy-dystroglycanopathy (congenital with brain and eye anomalies), type A2. Also called: WALKER-WARBURG SYNDROME OR MUSCLE-EYE-BRAIN DISEASE, POMT2-RELATED; MUSCULAR DYSTROPHY-DYSTROGLYCANOPATHY (CONGENITAL WITH BRAIN AND EYE ANOMALIES), TYPE A, 2. Identifiers: Orphanet 588, Orphanet 899, MedGen C3150411, MONDO:0013154, OMIM 613150.
Muscular dystrophy-dystroglycanopathy (congenital with impaired intellectual development), type B, 2. Also called: Muscular dystrophy-dystroglycanopathy (congenital with intellectual disability), type B2; MUSCULAR DYSTROPHY, CONGENITAL, POMT2-RELATED. Identifiers: MedGen C3150416, MONDO:0013160, OMIM 613156.
Autosomal recessive limb-girdle muscular dystrophy type 2N. Also called: MUSCULAR DYSTROPHY-DYSTROGLYCANOPATHY, LIMB-GIRDLE, POMT2-RELATED; Muscular dystrophy-dystroglycanopathy (limb-girdle), type C, 2. Identifiers: Orphanet 206559, MedGen C3150418, MONDO:0013162, OMIM 613158.

Allele frequency attached by ClinVar (database versions not stated): gnomAD exomes 0.00001; TOPMed below 0.00001; gnomAD 0.00001.
gnomAD v4.1: 6 of 1,613,746 alleles (0.00037%); highest among the groups gnomAD compares: South Asian, 0.0022%; no homozygotes.

Submissions (5):

Labcorp Genetics (formerly Invitae), Labcorp
Classification: Uncertain significance for Muscular dystrophy-dystroglycanopathy (congenital with impaired intellectual development), type B, 2; Muscular dystrophy-dystroglycanopathy (congenital with brain and eye anomalies), type A2; Autosomal recessive limb-girdle muscular dystrophy type 2N. Last evaluated: 2021-08-28. Review status: criteria provided, single submitter. Criteria: Invitae Variant Classification Sherloc (09022015). Collection method: clinical testing. Allele origin: germline.
Comment: This sequence change replaces aspartic acid with valine at codon 410 of the POMT2 protein (p.Asp410Val). The aspartic acid residue is highly conserved and there is a large physicochemical difference between aspartic acid and valine. This variant is not present in population databases (ExAC no frequency). This variant has not been reported in the literature in individuals affected with POMT2-related conditions. ClinVar contains an entry for this variant (Variation ID: 285824). Algorithms developed to predict the effect of missense changes on protein structure and function are either unavailable or do not agree on the potential impact of this missense change (SIFT: "Tolerated"; PolyPhen-2: "Probably Damaging"; Align-GVGD: "Class C0"). In summary, the available evidence is currently insufficient to determine the role of this variant in disease. Therefore, it has been classified as a Variant of Uncertain Significance.

GeneDx
Classification: Uncertain significance. Last evaluated: 2021-07-15. Review status: criteria provided, single submitter. Criteria: GeneDx Variant Classification Process June 2021. Collection method: clinical testing. Allele origin: germline. Affected: yes.
Comment: Not observed at significant frequency in large population cohorts (Lek et al., 2016); In silico analysis supports that this missense variant has a deleterious effect on protein structure/function; Has not been previously published as pathogenic or benign to our knowledge; This variant is associated with the following publications: (PMID: 27535533)

Revvity Omics, Revvity
Classification: Uncertain significance. Last evaluated: 2021-05-07. Review status: criteria provided, single submitter. Criteria: ACMG Guidelines, 2015. Collection method: clinical testing. Allele origin: germline.

CeGaT Center for Human Genetics Tuebingen
Classification: Uncertain significance. Last evaluated: 2019-05-01. Review status: criteria provided, single submitter. Criteria: CeGaT Center For Human Genetics Tuebingen Variant Classification Criteria Version 2. Collection method: clinical testing. Allele origin: germline. Affected: yes. Observed: 3 variant alleles.

Eurofins Ntd Llc (ga)
Classification: Uncertain significance. Last evaluated: 2016-01-25. Review status: criteria provided, single submitter. Criteria: EGL Classification Definitions 2015. Collection method: clinical testing. Allele origin: germline. Observed: 1 variant allele, 1 heterozygote.